The following is an entry in ClinVar:

ClinVar aggregate classification (germline): Uncertain significance. Review status: criteria provided, multiple submitters, no conflicts (2 of 4 stars). 2 submissions from 2 submitters: Uncertain significance (2). Last evaluated 2024-02-24.

Submissions (2):

Labcorp Genetics (formerly Invitae), Labcorp
Classification: Uncertain significance. Last evaluated: 2024-02-24. Review status: criteria provided, single submitter. Criteria: Invitae Variant Classification Sherloc (09022015). Collection method: clinical testing. Allele origin: germline.
Comment: This sequence change replaces glutamine, which is neutral and polar, with histidine, which is basic and polar, at codon 186 of the CHMP1A protein (p.Gln186His). This variant is not present in population databases (gnomAD no frequency). This variant has not been reported in the literature in individuals affected with CHMP1A-related conditions. ClinVar contains an entry for this variant (Variation ID: 596788). An algorithm developed to predict the effect of missense changes on protein structure and function (PolyPhen-2) suggests that this variant is likely to be tolerated. In summary, the available evidence is currently insufficient to determine the role of this variant in disease. Therefore, it has been classified as a Variant of Uncertain Significance.

Eurofins Ntd Llc (ga)
Classification: Uncertain significance. Last evaluated: 2018-04-18. Review status: criteria provided, single submitter. Criteria: EGL ClinVar v180209 classification definitions. Collection method: clinical testing. Allele origin: germline. Observed: 1 variant allele, 1 heterozygote.

NM_002768.5(CHMP1A):c.558G>C (p.Gln186His)

Gene: CHMP1A (charged multivesicular body protein 1A; minus strand). Cytogenetic location: 16q24.3.
Variant type: single nucleotide variant.
Coding change: c.558G>C on transcript NM_002768.5 (MANE Select); coding-DNA position 558, G replaced by C.
Protein change: p.Gln186His; replaces glutamine 186 with histidine.
Molecular consequence: missense variant. On other transcripts: non-coding transcript variant (1).
Genome position (GRCh38, 1-based): chr16:89,646,538, C>G on the plus strand (G>C on the coding strand, the complement: CHMP1A is on the minus strand). VCF-style: chr16-89646538-C-G. GRCh37 (hg19) VCF-style: chr16-89712946-C-G.
Other names: c.538G>C, p.Ala180Pro (NM_001083314.4); short protein forms Q186H, A180P.
Identifiers: ClinVar variation 596788 (VCV000596788.12), dbSNP rs1567999354, ClinGen allele CA397431888.